The following is an entry in ClinVar:

ClinVar aggregate classification (germline): Benign. Review status: criteria provided, single submitter (1 of 4 stars). 2 submissions from 2 submitters: Benign (1). 1 of the submissions does not count toward it. Last evaluated 2019-12-31.

Conditions:
CSMD1-related disorder. Also called: CSMD1-related condition.

Allele frequency attached by ClinVar (database versions not stated): 1000 Genomes Project 30x 0.00109; 1000 Genomes Project 0.00120; TOPMed 0.00199; gnomAD 0.00244 and 0.00247; ESP Exome Variant Server 0.00250; gnomAD exomes 0.00257 and 0.00281; ExAC 0.00267.
gnomAD v4.1: 4,431 of 1,614,042 alleles (0.27%); highest among the groups gnomAD compares: Non-Finnish European, 0.32%; 12 homozygotes.

Submissions (2):

Labcorp Genetics (formerly Invitae), Labcorp
Classification: Benign. Last evaluated: 2019-12-31. Review status: criteria provided, single submitter. Criteria: Invitae Variant Classification Sherloc (09022015). Collection method: clinical testing. Allele origin: germline.

PreventionGenetics, part of Exact Sciences
Classification: Likely benign for CSMD1-related condition. Last evaluated: 2019-02-20. Review status: no assertion criteria provided. Collection method: clinical testing. Allele origin: germline. Not counted in ClinVar's aggregate classification.
Comment: This variant is classified as likely benign based on ACMG/AMP sequence variant interpretation guidelines (Richards et al. 2015 PMID: 25741868, with internal and published modifications).

NM_033225.6(CSMD1):c.8250T>C (p.Asn2750=)

Genes: CSMD1 (CUB and Sushi multiple domains 1; minus strand), LOC105377785 (uncharacterized LOC105377785; plus strand). Cytogenetic location: 8p23.2.
Variant type: single nucleotide variant.
Coding change: c.8250T>C on transcript NM_033225.6 (MANE Select); coding-DNA position 8250, T replaced by C.
Protein change: p.Asn2750=; no amino-acid change (asparagine 2750 retained).
Molecular consequence: synonymous variant.
Genome position (GRCh38, 1-based): chr8:2,998,138, A>G on the plus strand (T>C on the coding strand, the complement: CSMD1 is on the minus strand). VCF-style: chr8-2998138-A-G. GRCh37 (hg19) VCF-style: chr8-2855660-A-G.
Identifiers: ClinVar variation 769338 (VCV000769338.6), dbSNP rs200307297, ClinGen allele CA4605654.